The following is an entry in ClinVar:

ClinVar aggregate classification (germline): Pathogenic. Review status: criteria provided, multiple submitters, no conflicts (2 of 4 stars). 4 submissions from 4 submitters: Pathogenic (4). Last evaluated 2024-01-01.

Conditions:
Wilson disease (WND). Also called: Wilson's disease. Identifiers: Orphanet 905, MedGen C0019202, MONDO:0010200, OMIM 277900. Disease mechanism: loss of function.

Submissions (4):

Chongqing Key Laboratory of Child Rare Diseases in Infection and Immunity, Children’s Hospital of Chongqing Medical University
Classification: Pathogenic for Wilson disease. Last evaluated: 2024-01-01. Review status: criteria provided, single submitter. Criteria: ACMG Guidelines, 2015. Collection method: clinical testing. Allele origin: germline. Inheritance: Autosomal recessive inheritance. Affected: yes.
Comment: Classified as Pathogenic according to the ACMG/AMP 2015 guidelines (PMID:25741868). The classification was based on the available submitted evidence for Wilson disease (OMIM:277900), including clinical-testing observations, variant consequence/protein annotation, and published or ClinVar evidence where available. Supporting information considered: variant annotation: p.Gln1256HisfsTer75; Frameshift; Protein domain: Core (post-N); submitted notation: NM_000053.4:c.3766_3767dupCA (p.Gln1256HisfsTer75); source variant type: Frameshift; source domain: Core (post-N); allele count n=230: 2.

Baylor Genetics
Classification: Pathogenic for Wilson disease. Last evaluated: 2023-08-18. Review status: criteria provided, single submitter. Criteria: ACMG Guidelines, 2015. Collection method: clinical testing. Allele origin: unknown.

Labcorp Genetics (formerly Invitae), Labcorp
Classification: Pathogenic for Wilson disease. Last evaluated: 2022-10-25. Review status: criteria provided, single submitter. Criteria: Invitae Variant Classification Sherloc (09022015). Collection method: clinical testing. Allele origin: germline.
Comment: This sequence change creates a premature translational stop signal (p.Gln1256Hisfs*75) in the ATP7B gene. It is expected to result in an absent or disrupted protein product. Loss-of-function variants in ATP7B are known to be pathogenic (PMID: 10441329, 16283883). This variant is not present in population databases (gnomAD no frequency). This premature translational stop signal has been observed in individual(s) with Wilson disease (PMID: 25704634, 27022412, 34240825). ClinVar contains an entry for this variant (Variation ID: 993505). For these reasons, this variant has been classified as Pathogenic.

Genome-Nilou Lab
Classification: Pathogenic for Wilson disease. Last evaluated: 2021-08-10. Review status: criteria provided, single submitter. Criteria: ACMG Guidelines, 2015. Collection method: clinical testing. Allele origin: germline. Affected: no.

Literature cited by the submitters: PubMed 10441329 (cited by Labcorp Genetics (formerly Invitae), Labcorp); PubMed 16283883 (cited by Labcorp Genetics (formerly Invitae), Labcorp); PubMed 25704634 (cited by Labcorp Genetics (formerly Invitae), Labcorp); PubMed 27022412 (cited by Labcorp Genetics (formerly Invitae), Labcorp); PubMed 34240825 (cited by Labcorp Genetics (formerly Invitae), Labcorp).

NM_000053.4(ATP7B):c.3766_3767dup (p.Gln1256fs)

Gene: ATP7B (ATPase copper transporting beta; minus strand). Cytogenetic location: 13q14.3.
Variant type: Duplication.
Coding change: c.3766_3767dup on transcript NM_000053.4 (MANE Select); coding-DNA positions 3766 to 3767, 2 bases duplicated (CA; older notation c.3766_3767dupCA).
Protein change: p.Gln1256fs; shifts the reading frame from glutamine 1256.
Molecular consequence: frameshift variant.
Genome position (GRCh38, 1-based): chr13:51,937,612-51,937,613, TG duplicated on the plus strand (CA on the coding strand, the reverse complement: ATP7B is on the minus strand). VCF-style (leftmost placement, unchanged base first): chr13-51937611-C-CTG. GRCh37 (hg19) VCF-style: chr13-52511747-C-CTG.
Other names: c.3766_3767dupCA (NM_000053.4); c.3145_3146dup, p.Gln1049fs (NM_001005918.3); c.3433_3434dup, p.Gln1145fs (NM_001243182.2); c.3532_3533dup, p.Gln1178fs (NM_001330578.2); c.3514_3515dup, p.Gln1172fs (NM_001330579.2); short protein forms Q1049fs, Q1145fs, Q1172fs, Q1178fs, Q1256fs.
Identifiers: ClinVar variation 993505 (VCV000993505.11), dbSNP rs1957048711, ClinGen allele CA1139663298.